The following is an entry in ClinVar:

NM_000540.3(RYR1):c.10400T>C (p.Met3467Thr)

Gene: RYR1 (ryanodine receptor 1; plus strand). Cytogenetic location: 19q13.2.
Variant type: single nucleotide variant.
Coding change: c.10400T>C on transcript NM_000540.3 (MANE Select); coding-DNA position 10400, T replaced by C.
Protein change: p.Met3467Thr; replaces methionine 3467 with threonine.
Molecular consequence: missense variant.
Genome position (GRCh38, 1-based): chr19:38,523,269, T>C. VCF-style: chr19-38523269-T-C. GRCh37 (hg19) VCF-style: chr19-39013909-T-C.
Other names: c.10400T>C, p.Met3467Thr (NM_001042723.2); short protein forms M3467T.
Identifiers: ClinVar variation 3385529 (VCV003385529.1).
Genomic context (GRCh38, chr19:38,523,269, plus strand): 5'-CCCACCAGAACTTCAAGCGCGAGGAGCAGAACTTTGTGGTCCAGAATGAGATCAACAACA[T>C]GTCCTTCCTGACTGCTGACAACAAAAGCAAAATGGCTAAGGTCGGGGCTTGGTTCTGGGA-3'
Protein context (NP_000531.2, residues 3457-3477): NFVVQNEINN[Met3467Thr]SFLTADNKSK

ClinVar aggregate classification (germline): Uncertain significance (1 of 4 stars; one submission).

Conditions:
Malignant hyperthermia, susceptibility to, 1 (MHS1). Also called: Anesthesia related hyperthermia; Malignant hyperpyrexia; Fulminating hyperpyrexia; Pharmacogenic myopathy; Malignant hyperthermia suceptibility 1; RYR1-Related Malignant Hyperthermia Susceptibility. Identifiers: Orphanet 423, MedGen C2930980, MONDO:0007783, OMIM 145600.

gnomAD v4.1: 1 of 1,614,232 alleles (0.000062%); highest among the groups gnomAD compares: Non-Finnish European, 0.000085%; no homozygotes.

Submission:

All of Us Research Program, National Institutes of Health
Classification: Uncertain significance for Malignant hyperthermia, susceptibility to, 1. Last evaluated: 2024-06-09. Review status: criteria provided, single submitter. Criteria: ACMG Guidelines, 2015. Collection method: clinical testing. Allele origin: germline. Inheritance: Autosomal dominant inheritance. Observed: 1 variant allele, 1 heterozygote.
Comment: This missense variant replaces methionine with threonine at codon 3467 of the RYR1 protein. Computational prediction suggests that this variant may have deleterious impact on protein structure and function (internally defined REVEL score threshold >= 0.7, PMID: 27666373). To our knowledge, functional studies have not been reported for this variant. This variant has not been reported in individuals affected with RYR1-related disorders in the literature. This variant has not been identified in the general population by the Genome Aggregation Database (gnomAD). The available evidence is insufficient to determine the role of this variant in disease conclusively. Therefore, this variant is classified as a Variant of Uncertain Significance.

This study involves interpretation of variants in research participants for the purpose of population health screening. Participant phenotype was not available at the time of variant classification. Additional details can be found in publication PMID: 35346344, PMCID: PMC8962531